The following is an entry in ClinVar:

ClinVar aggregate classification (germline): Uncertain significance (1 of 4 stars; one submission).

Conditions:
Hereditary cancer-predisposing syndrome. Also called: Tumor predisposition; Neoplastic Syndromes, Hereditary; Hereditary neoplastic syndrome; Hereditary Cancer Syndrome. Identifiers: Orphanet 140162, MedGen C0027672, MeSH D009386, MONDO:0015356.

Submission:

Ambry Genetics
Classification: Uncertain significance for Hereditary cancer-predisposing syndrome. Last evaluated: 2025-08-27. Review status: criteria provided, single submitter. Criteria: Ambry Variant Classification Scheme 2023. Collection method: clinical testing. Allele origin: germline.
Comment: The p.G462V variant (also known as c.1385G>T), located in coding exon 14 of the MUTYH gene, results from a G to T substitution at nucleotide position 1385. The glycine at codon 462 is replaced by valine, an amino acid with dissimilar properties. This amino acid position is conserved. In addition, the in silico prediction for this alteration is inconclusive. Based on the available evidence, the clinical significance of this variant remains unclear.

NM_001048174.2(MUTYH):c.1301G>T (p.Gly434Val)

Gene: MUTYH (mutY DNA glycosylase; minus strand). Cytogenetic location: 1p34.1.
Variant type: single nucleotide variant.
Coding change: c.1301G>T on transcript NM_001048174.2 (MANE Select); coding-DNA position 1301, G replaced by T.
Protein change: p.Gly434Val; replaces glycine 434 with valine.
Molecular consequence: missense variant. On other transcripts: non-coding transcript variant (7).
Genome position (GRCh38, 1-based): chr1:45,331,273, C>A on the plus strand (G>T on the coding strand, the complement: MUTYH is on the minus strand). VCF-style: chr1-45331273-C-A. GRCh37 (hg19) VCF-style: chr1-45796945-C-A.
Other names: c.1301G>T, p.Gly434Val (NM_001048171.2, NM_001048173.2, NM_001293195.2 and 6 more transcripts); c.1304G>T, p.Gly435Val (NM_001048172.2, NM_001407071.1, NM_001407078.1 and 1 more transcripts); c.1385G>T, p.Gly462Val (NM_001128425.2); c.1346G>T, p.Gly449Val (NM_001293190.2); c.1334G>T, p.Gly445Val (NM_001293191.2, NM_001407069.1, NM_001407077.1); c.1025G>T, p.Gly342Val (NM_001293192.2, NM_001293196.2, NM_001407091.1); c.956G>T, p.Gly319Val (NM_001350650.2, NM_001350651.2, NM_001407082.1); c.1217G>T, p.Gly406Val (NM_001407075.1); and 5 more; short protein forms G441V, G445V, G319V, G342V, G420V, G449V, G435V, G459V.
Identifiers: ClinVar variation 4113205 (VCV004113205.1).